The following is an entry in ClinVar:

ClinVar aggregate classification (germline): Likely benign. Review status: criteria provided, multiple submitters, no conflicts (2 of 4 stars). 2 submissions from 2 submitters: Likely benign (2). Last evaluated 2025-03-06.

Conditions:
CEP164-related disorder. Also called: CEP164-related condition.
Nephronophthisis 15 (NPHP15). Identifiers: Orphanet 3156, MedGen C3541853, MONDO:0013917, OMIM 614845.

Allele frequency attached by ClinVar (database versions not stated): gnomAD 0.00001.
gnomAD v4.1: 1 of 1,593,124 alleles (0.000063%); highest among the groups gnomAD compares: East Asian, 0.0022%; no homozygotes.

Submissions (2):

PreventionGenetics, part of Exact Sciences
Classification: Likely benign for CEP164-related condition. Last evaluated: 2025-03-06. Review status: criteria provided, single submitter. Criteria: ACMG Guidelines, 2015. Collection method: clinical testing. Allele origin: germline.
Comment: This variant is classified as likely benign based on ACMG/AMP sequence variant interpretation guidelines (Richards et al. 2015 PMID: 25741868, with internal and published modifications).

Labcorp Genetics (formerly Invitae), Labcorp
Classification: Likely benign for Nephronophthisis 15. Last evaluated: 2023-08-10. Review status: criteria provided, single submitter. Criteria: Invitae Variant Classification Sherloc (09022015). Collection method: clinical testing. Allele origin: germline.

NM_014956.5(CEP164):c.2284-6C>T

Gene: CEP164 (centrosomal protein 164; plus strand). Cytogenetic location: 11q23.3.
Variant type: single nucleotide variant.
Coding change: c.2284-6C>T on transcript NM_014956.5 (MANE Select); 6 bases into the intron before coding-DNA position 2284, C replaced by T.
Molecular consequence: intron variant.
Genome position (GRCh38, 1-based): chr11:117,392,220, C>T. VCF-style: chr11-117392220-C-T. GRCh37 (hg19) VCF-style: chr11-117262936-C-T.
Other names: c.2293-6C>T (NM_001271933.2); c.2284-6C>T (NM_014956.4).
Identifiers: ClinVar variation 1953117 (VCV001953117.6), dbSNP rs1219928483, ClinGen allele CA602137461.